The following is an entry in ClinVar:

ClinVar aggregate classification (germline): Conflicting classifications of pathogenicity. Review status: criteria provided, conflicting classifications (1 of 4 stars). 2 submissions from 2 submitters: Uncertain significance (1); Likely benign (1). Last evaluated 2020-10-08.

Conditions:
Cowden syndrome 6 (CWS6). Identifiers: Orphanet 201, MedGen C3554519, MONDO:0014048, OMIM 615109.

Allele frequency attached by ClinVar (database versions not stated): TOPMed 0.00001.

Submissions (2):

Labcorp Genetics (formerly Invitae), Labcorp
Classification: Uncertain significance for Cowden syndrome 6. Last evaluated: 2020-10-08. Review status: criteria provided, single submitter. Criteria: Invitae Variant Classification Sherloc (09022015). Collection method: clinical testing. Allele origin: germline.
Comment: In summary, the available evidence is currently insufficient to determine the role of this variant in disease. Therefore, it has been classified as a Variant of Uncertain Significance. Nucleotide substitutions within the consensus splice site are a relatively common cause of aberrant splicing (PMID: 17576681, 9536098). Algorithms developed to predict the effect of sequence changes on RNA splicing suggest that this variant may create or strengthen a splice site, but this prediction has not been confirmed by published transcriptional studies. This variant has not been reported in the literature in individuals with AKT1-related conditions. ClinVar contains an entry for this variant (Variation ID: 514683). This variant is not present in population databases (ExAC no frequency). This sequence change falls in intron 10 of the AKT1 gene. It does not directly change the encoded amino acid sequence of the AKT1 protein, but it affects a nucleotide within the consensus splice site of the intron.

GeneDx
Classification: Likely benign. Last evaluated: 2018-01-11. Review status: criteria provided, single submitter. Criteria: GeneDx Variant Classification (06012015). Collection method: clinical testing. Allele origin: germline. Affected: yes.
Comment: This variant is considered likely benign or benign based on one or more of the following criteria: it is a conservative change, it occurs at a poorly conserved position in the protein, it is predicted to be benign by multiple in silico algorithms, and/or has population frequency not consistent with disease.

Literature cited by the submitters: PubMed 17576681 (cited by Labcorp Genetics (formerly Invitae), Labcorp); PubMed 9536098 (cited by Labcorp Genetics (formerly Invitae), Labcorp).

NM_001382430.1(AKT1):c.957+3G>A

Gene: AKT1 (AKT serine/threonine kinase 1; minus strand). Cytogenetic location: 14q32.33.
Variant type: single nucleotide variant.
Coding change: c.957+3G>A on transcript NM_001382430.1 (MANE Select); 3 bases into the intron after coding-DNA position 957, G replaced by A.
Molecular consequence: intron variant.
Genome position (GRCh38, 1-based): chr14:104,773,248, C>T on the plus strand (G>A on the coding strand, the complement: AKT1 is on the minus strand). VCF-style: chr14-104773248-C-T. GRCh37 (hg19) VCF-style: chr14-105239585-C-T.
Other names: c.957+3G>A (NM_001014431.2, NM_001014432.2, NM_001382433.1 and 3 more transcripts).
Identifiers: ClinVar variation 514683 (VCV000514683.8), dbSNP rs1219173005, ClinGen allele CA658798276.